The following is an entry in ClinVar:

ClinVar aggregate classification (germline): Uncertain significance (1 of 4 stars; one submission).

Allele frequency attached by ClinVar (database versions not stated): gnomAD exomes 0.00001 and 0.00003; TOPMed 0.00002; ExAC 0.00004.

Submission:

Labcorp Genetics (formerly Invitae), Labcorp
Classification: Uncertain significance. Last evaluated: 2024-12-02. Review status: criteria provided, single submitter. Criteria: Invitae Variant Classification Sherloc (09022015). Collection method: clinical testing. Allele origin: germline.
Comment: This sequence change replaces glycine, which is neutral and non-polar, with glutamic acid, which is acidic and polar, at codon 195 of the IMPG1 protein (p.Gly195Glu). This variant is present in population databases (rs753326291, gnomAD 0.02%). This variant has not been reported in the literature in individuals affected with IMPG1-related conditions. ClinVar contains an entry for this variant (Variation ID: 1035791). An algorithm developed to predict the effect of missense changes on protein structure and function outputs the following: PolyPhen-2: "Benign". The glutamic acid amino acid residue is found in multiple mammalian species, which suggests that this missense change does not adversely affect protein function. In summary, the available evidence is currently insufficient to determine the role of this variant in disease. Therefore, it has been classified as a Variant of Uncertain Significance.

NM_001563.4(IMPG1):c.584G>A (p.Gly195Glu)

Gene: IMPG1 (interphotoreceptor matrix proteoglycan 1; minus strand). Cytogenetic location: 6q14.1.
Variant type: single nucleotide variant.
Coding change: c.584G>A on transcript NM_001563.4 (MANE Select); coding-DNA position 584, G replaced by A.
Protein change: p.Gly195Glu; replaces glycine 195 with glutamic acid.
Molecular consequence: missense variant.
Genome position (GRCh38, 1-based): chr6:76,022,198, C>T on the plus strand (G>A on the coding strand, the complement: IMPG1 is on the minus strand). VCF-style: chr6-76022198-C-T. GRCh37 (hg19) VCF-style: chr6-76731915-C-T.
Other names: c.350G>A, p.Gly117Glu (NM_001282368.2); short protein forms G195E, G117E.
Identifiers: ClinVar variation 1035791 (VCV001035791.8), dbSNP rs753326291, ClinGen allele CA3898420.